The following is an entry in ClinVar:

ClinVar aggregate classification (germline): Uncertain significance (1 of 4 stars; one submission).

Conditions:
Hereditary cancer-predisposing syndrome. Also called: Neoplastic Syndromes, Hereditary; Tumor predisposition; Hereditary Cancer Syndrome; Hereditary neoplastic syndrome. Identifiers: Orphanet 140162, MedGen C0027672, MeSH D009386, MONDO:0015356.

Submission:

Ambry Genetics
Classification: Uncertain significance for Hereditary cancer-predisposing syndrome. Last evaluated: 2025-09-28. Review status: criteria provided, single submitter. Criteria: Ambry Variant Classification Scheme 2023. Collection method: clinical testing. Allele origin: germline.
Comment: The p.S767P variant (also known as c.2299T>C), located in coding exon 18 of the POLD1 gene, results from a T to C substitution at nucleotide position 2299. The serine at codon 767 is replaced by proline, an amino acid with similar properties. This amino acid position is conserved. In addition, this alteration is predicted to be tolerated by in silico analysis. Based on the available evidence, the clinical significance of this variant remains unclear.

NM_002691.4(POLD1):c.2299T>C (p.Ser767Pro)

Gene: POLD1 (DNA polymerase delta 1, catalytic subunit; plus strand). Cytogenetic location: 19q13.33.
Variant type: single nucleotide variant.
Coding change: c.2299T>C on transcript NM_002691.4 (MANE Select); coding-DNA position 2299, T replaced by C.
Protein change: p.Ser767Pro; replaces serine 767 with proline.
Molecular consequence: missense variant. On other transcripts: non-coding transcript variant (1).
Genome position (GRCh38, 1-based): chr19:50,413,790, T>C. VCF-style: chr19-50413790-T-C. GRCh37 (hg19) VCF-style: chr19-50917047-T-C.
Other names: c.2299T>C, p.Ser767Pro (NM_001256849.1, NM_001438212.1, NM_001438213.1); c.2377T>C, p.Ser793Pro (NM_001308632.1); c.2227T>C, p.Ser743Pro (NM_001438210.1, NM_001438211.1); short protein forms S767P, S743P, S793P.
Identifiers: ClinVar variation 4668979 (VCV004668979.1).